The following is an entry in ClinVar:

ClinVar aggregate classification (germline): Pathogenic (1 of 4 stars; one submission).

Conditions:
Hereditary cancer-predisposing syndrome. Also called: Tumor predisposition; Hereditary Cancer Syndrome; Neoplastic Syndromes, Hereditary; Hereditary neoplastic syndrome. Identifiers: Orphanet 140162, MedGen C0027672, MeSH D009386, MONDO:0015356.

Submission:

Ambry Genetics
Classification: Pathogenic for Hereditary cancer-predisposing syndrome. Last evaluated: 2023-08-25. Review status: criteria provided, single submitter. Criteria: Ambry Variant Classification Scheme 2023. Collection method: clinical testing. Allele origin: germline.
Comment: The c.273delT pathogenic mutation, located in coding exon 4 of the BRCA1 gene, results from a deletion of one nucleotide at nucleotide position 273, causing a translational frameshift with a predicted alternate stop codon (p.C91Wfs*28). This mutation was reported in a patient with breast and ovarian cancer with a high risk family history (Tung N et al. Cancer 2015 Jan;121:25-33). In addition to the clinical data presented in the literature, this alteration is expected to result in loss of function by premature protein truncation or nonsense-mediated mRNA decay. As such, this alteration is interpreted as a disease-causing mutation.

Literature cited by the submitters: PubMed 25186627.

NM_007294.4(BRCA1):c.273del (p.Cys91fs)

Gene: BRCA1 (BRCA1 DNA repair associated; minus strand). Cytogenetic location: 17q21.31.
Variant type: Deletion.
Coding change: c.273del on transcript NM_007294.4 (MANE Select); coding-DNA position 273, one base deleted (T; older notation c.273delT).
Protein change: p.Cys91fs; shifts the reading frame from cysteine 91.
Molecular consequence: frameshift variant. On other transcripts: non-coding transcript variant (1).
Genome position (GRCh38, 1-based): chr17:43,104,896, A deleted on the plus strand (T on the coding strand, the reverse complement: BRCA1 is on the minus strand). VCF-style (leftmost placement, unchanged base first): chr17-43104895-CA-C. GRCh37 (hg19) VCF-style: chr17-41256912-CA-C.
Other names: c.273delT, p.Cys91Trpfs (NM_001408408.1, NM_001408418.1, NM_001408419.1 and 166 more transcripts); c.195delT, p.Cys65Trpfs (NM_001408409.1, NM_001408411.1, NM_001408412.1 and 21 more transcripts); c.132delT, p.Cys44Trpfs (NM_001408410.1, NM_001408452.1, NM_001408453.1 and 98 more transcripts); c.141delT, p.Cys47Trpfs (NM_001408451.1); c.63delT, p.Cys21Trpfs (NM_001408478.1, NM_001408479.1, NM_001408480.1 and 58 more transcripts); c.-109delT (NM_001408510.1, NM_001408512.1, NM_001407959.1 and 4 more transcripts); c.132del, p.Cys44fs (NM_007297.4); c.273del, p.Cys91fs (NM_007299.4, NM_007300.4); short protein forms C44fs, C91fs.
Identifiers: ClinVar variation 1795414 (VCV001795414.3), dbSNP rs2552254394, ClinGen allele CA2499224622.